The following is an entry in ClinVar:

NC_000002.11:g.(?_29287735)_(29297127_?)dup

Gene: PCARE (photoreceptor cilium actin regulator; minus strand). Cytogenetic location: 2p23.2.
Variant type: Duplication.
Identifiers: ClinVar variation 2423491 (VCV002423491.3).

ClinVar aggregate classification (germline): Uncertain significance (1 of 4 stars; one submission).

Submission:

Labcorp Genetics (formerly Invitae), Labcorp
Classification: Uncertain significance. Last evaluated: 2022-08-10. Review status: criteria provided, single submitter. Criteria: Invitae Variant Classification Sherloc (09022015). Collection method: clinical testing. Allele origin: germline.
Comment: A copy number gain of the genomic region encompassing the full coding sequence of the PCARE gene has been identified. The boundaries of this event are unknown as they extend beyond the assayed region for this gene and therefore may encompass additional genes. As the precise location of this event is unknown, it may be in tandem or it may be located elsewhere in the genome. This variant has not been reported in the literature in individuals affected with PCARE-related conditions. In summary, the available evidence is currently insufficient to determine the role of this variant in disease. Therefore, it has been classified as a Variant of Uncertain Significance.